The following is an entry in ClinVar:

ClinVar aggregate classification (germline): Uncertain significance (1 of 4 stars; one submission).

Conditions:
Spinocerebellar ataxia type 4. Identifiers: Orphanet 98765, MedGen C0752122, MONDO:0010847, OMIM 600223.

gnomAD v4.1: 8 of 1,613,994 alleles (0.0005%); highest among the groups gnomAD compares: East Asian, 0.0022%; no homozygotes.

Submission:

OLLIN Analises Genomicas, OLLIN
Classification: Uncertain significance for Spinocerebellar ataxia type 4. Last evaluated: 2026-08-06. Review status: criteria provided, single submitter. Criteria: ACMG Guidelines 2015 PMID 25741868. Collection method: clinical testing. Allele origin: germline.
Comment: This missense variant, located in exon 9 (of 10), has been observed in gnomAD with an allele frequency of 0.0005%, but has not been reported in ClinVar or identified in the literature. In silico analysis predicts that this variant has a deleterious effect. This gene has high tolerance to missense variation. According to the currently available evidence, this variant has been classified as uncertain significance (PM2_P, PP3, BP1).

NM_006885.4(ZFHX3):c.7015C>T (p.Arg2339Cys)

Genes: ZFHX3 (zinc finger homeobox 3; minus strand), ZFHX3-AS1 (ZFHX3 antisense RNA 1; plus strand). Cytogenetic location: 16q22.2.
Variant type: single nucleotide variant.
Coding change: c.7015C>T on transcript NM_006885.4 (MANE Select); coding-DNA position 7015, C replaced by T.
Protein change: p.Arg2339Cys; replaces arginine 2339 with cysteine.
Molecular consequence: missense variant.
Genome position (GRCh38, 1-based): chr16:72,795,667, G>A on the plus strand (C>T on the coding strand, the complement: ZFHX3 is on the minus strand). VCF-style: chr16-72795667-G-A. GRCh37 (hg19) VCF-style: chr16-72829566-G-A.
Other names: c.4273C>T, p.Arg1425Cys (NM_001164766.2); c.7015C>T, p.Arg2339Cys (NM_001386735.1); short protein forms R2339C, R1425C.
Identifiers: ClinVar variation 5003005 (VCV005003005.1).